The following is an entry in ClinVar:

ClinVar aggregate classification (germline): Pathogenic (1 of 4 stars; one submission).

Conditions:
AHDC1-related intellectual disability - obstructive sleep apnea - mild dysmorphism syndrome. Also called: Xia-Gibbs syndrome. Identifiers: Orphanet 412069, MedGen C4014419, MONDO:0014358, OMIM 615829.

Submission:

Laboratory of Human Genetics, Universidade de São Paulo
Classification: Pathogenic for AHDC1-related intellectual disability - obstructive sleep apnea - mild dysmorphism syndrome. Last evaluated: 2023-03-21. Review status: criteria provided, single submitter. Criteria: ACMG Guidelines, 2015. Collection method: clinical testing. Allele origin: germline. Inheritance: Autosomal dominant inheritance. Affected: yes. Observed: 1 heterozygote.
Comment: PVS1, PM2

NM_001371928.1(AHDC1):c.809del (p.Glu270fs)

Gene: AHDC1 (AT-hook DNA binding motif containing 1; minus strand). Cytogenetic location: 1p36.11.
Variant type: Deletion.
Coding change: c.809del on transcript NM_001371928.1 (MANE Select); coding-DNA position 809, one base deleted (A; older notation c.809delA).
Protein change: p.Glu270fs; shifts the reading frame from glutamic acid 270.
Molecular consequence: frameshift variant.
Genome position (GRCh38, 1-based): chr1:27,551,307, T deleted on the plus strand (A on the coding strand, the reverse complement: AHDC1 is on the minus strand). VCF-style (leftmost placement, unchanged base first): chr1-27551306-CT-C. GRCh37 (hg19) VCF-style: chr1-27877817-CT-C.
Other names: p.Glu270GlyfsTer19; c.809del, p.Glu270fs (NM_001029882.3); short protein forms E270fs.
Identifiers: ClinVar variation 2626756 (VCV002626756.2), dbSNP rs2522064270, ClinGen allele CA2582341906.